The following is an entry in ClinVar:

NM_001728.4(BSG):c.-3A>G

Gene: BSG (basigin (Ok blood group); plus strand). Cytogenetic location: 19p13.3.
Variant type: single nucleotide variant.
Coding change: c.-3A>G on transcript NM_001728.4 (MANE Select); 3 bases upstream of the start codon, A replaced by G.
Molecular consequence: 5 prime UTR variant. On other transcripts: intron variant (2).
Genome position (GRCh38, 1-based): chr19:572,632, A>G. VCF-style: chr19-572632-A-G. GRCh37 (hg19) VCF-style: chr19-572632-A-G.
Other names: c.-3A>G (NM_001322243.2, NM_198589.3); c.-213+1053A>G (NM_198590.3); c.-56+1053A>G (NM_198591.4).
Identifiers: ClinVar variation 4981222 (VCV004981222.1).

ClinVar aggregate classification (germline): Likely benign (1 of 4 stars; one submission).

Conditions:
BSG-related disorder. Also called: BSG-related condition.

gnomAD v4.1: 546 of 1,499,458 alleles (0.036%); highest among the groups gnomAD compares: African/African-American, 0.62%; 1 homozygote.

Submission:

PreventionGenetics, part of Exact Sciences
Classification: Likely benign for BSG-related condition. Last evaluated: 2026-01-22. Review status: criteria provided, single submitter. Criteria: ACMG Guidelines, 2015. Collection method: clinical testing. Allele origin: germline.
Comment: This variant is classified as likely benign based on ACMG/AMP sequence variant interpretation guidelines (Richards et al. 2015 PMID: 25741868, with internal and published modifications).